The following is an entry in ClinVar:

ClinVar aggregate classification (germline): Likely pathogenic. Review status: criteria provided, single submitter (1 of 4 stars). 2 submissions from 2 submitters: Likely pathogenic (1). 1 of the submissions does not count toward it. Last evaluated 2021-11-01.

Conditions:
Spinocerebellar ataxia type 28 (SCA28). Also called: Spinocerebellar Ataxia Type 28 (SCA28). Identifiers: Orphanet 101109, MedGen C1853249, MONDO:0012450, OMIM 610246.

Submissions (2):

General Neurology and Ataxia Unit, Universidade Federal de Sao Paulo - Escola Paulista de Medicina
Classification: Likely pathogenic for Spinocerebellar ataxia type 28. Last evaluated: 2021-11-01. Review status: criteria provided, single submitter. Criteria: ACMG Guidelines, 2015. Collection method: clinical testing. Allele origin: germline. Inheritance: Autosomal unknown. Affected: yes. Observed: 1 heterozygote.
Comment: NM_006796.3(AFG3L2):c.2062C>A;p.(Pro688Thr) is a missense variant located within the peptidase-M41 domain of the protein, a common site of missense variants that cause autosomal dominant spinocerebellar ataxia (PMID: 20725928). This variant is absent from population databases (gnomAD, ABraOM). Previously, variants in the same amino acid where reported as disease-causing (p.P688A - PMID: 28444220; p.P688S - ClinVar Variation ID: 987295). In silico prediction tools agree on disease-causing effect of the protein (REVEL, MetaLR, MetaSVM, MetaRNN).

GeneReviews
No classification provided. Condition: Spinocerebellar ataxia type 28. Review status: no classification provided. Collection method: literature only. Allele origin: germline. Not counted in ClinVar's aggregate classification.

Literature cited by the submitters: NCBI Bookshelf NBK54582 (cited by GeneReviews).

NM_006796.3(AFG3L2):c.2062C>A (p.Pro688Thr)

Gene: AFG3L2 (AFG3 like matrix AAA peptidase subunit 2; minus strand). Cytogenetic location: 18p11.21.
Variant type: single nucleotide variant.
Coding change: c.2062C>A on transcript NM_006796.3 (MANE Select); coding-DNA position 2062, C replaced by A.
Protein change: p.Pro688Thr; replaces proline 688 with threonine.
Molecular consequence: missense variant.
Genome position (GRCh38, 1-based): chr18:12,337,454, G>T on the plus strand (C>A on the coding strand, the complement: AFG3L2 is on the minus strand). VCF-style: chr18-12337454-G-T. GRCh37 (hg19) VCF-style: chr18-12337453-G-T.
Other names: short protein forms P688T.
Identifiers: ClinVar variation 1327420 (VCV001327420.4), dbSNP rs797045221, ClinGen allele CA401944063.